The following is an entry in ClinVar:

NM_002049.4(GATA1):c.41C>T (p.Pro14Leu)

Gene: GATA1 (GATA binding protein 1; plus strand). Cytogenetic location: Xp11.23.
Variant type: single nucleotide variant.
Coding change: c.41C>T on transcript NM_002049.4 (MANE Select); coding-DNA position 41, C replaced by T.
Protein change: p.Pro14Leu; replaces proline 14 with leucine.
Molecular consequence: missense variant.
Genome position (GRCh38, 1-based): chrX:48,791,150, C>T. VCF-style: chrX-48791150-C-T. GRCh37 (hg19) VCF-style: chrX-48649557-C-T.
Other names: short protein forms P14L.
Identifiers: ClinVar variation 2922927 (VCV002922927.3), dbSNP rs1478971085, ClinGen allele CA412866747.

ClinVar aggregate classification (germline): Uncertain significance (1 of 4 stars; one submission).

Conditions:
Diamond-Blackfan anemia. Also called: Blackfan Diamond syndrome; Aregenerative anemia chronic congenital; Red cell aplasia, pure hereditary; Congenital hypoplastic anemia; Aase syndrome. Identifiers: Orphanet 124, MedGen C1260899, MeSH D029503, MONDO:0015253, HP:0004810.
GATA binding protein 1 related thrombocytopenia with dyserythropoiesis. Also called: GATA1-Related Cytopenia; GATA1-Related X-Linked Cytopenia. Identifiers: MedGen C1845837, MONDO:0100089.

Allele frequency attached by ClinVar (database versions not stated): gnomAD exomes below 0.00001.
gnomAD v4.1: 1 of 1,209,451 alleles (0.000083%); highest among the groups gnomAD compares: Admixed American, 0.0022%; no homozygotes.

Submission:

Labcorp Genetics (formerly Invitae), Labcorp
Classification: Uncertain significance for GATA binding protein 1 related thrombocytopenia with dyserythropoiesis; Diamond-Blackfan anemia. Last evaluated: 2022-11-29. Review status: criteria provided, single submitter. Criteria: Invitae Variant Classification Sherloc (09022015). Collection method: clinical testing. Allele origin: germline.
Comment: In summary, the available evidence is currently insufficient to determine the role of this variant in disease. Therefore, it has been classified as a Variant of Uncertain Significance. Algorithms developed to predict the effect of missense changes on protein structure and function (SIFT, PolyPhen-2, Align-GVGD) all suggest that this variant is likely to be tolerated. This variant has not been reported in the literature in individuals affected with GATA1-related conditions. This variant is present in population databases (no rsID available, gnomAD 0.004%). This sequence change replaces proline, which is neutral and non-polar, with leucine, which is neutral and non-polar, at codon 14 of the GATA1 protein (p.Pro14Leu).